The following is an entry in ClinVar:

ClinVar aggregate classification (germline): Uncertain significance (1 of 4 stars; one submission).

Conditions:
Dilated cardiomyopathy 1O (CMD1O). Also called: CARDIOMYOPATHY, DILATED, WITH VENTRICULAR TACHYCARDIA. Identifiers: Orphanet 154, MedGen C1837839, MONDO:0012062, OMIM 608569.

Submission:

Labcorp Genetics (formerly Invitae), Labcorp
Classification: Uncertain significance for Dilated cardiomyopathy 1O. Last evaluated: 2025-03-05. Review status: criteria provided, single submitter. Criteria: Invitae Variant Classification Sherloc (09022015). Collection method: clinical testing. Allele origin: germline.
Comment: This sequence change replaces isoleucine, which is neutral and non-polar, with threonine, which is neutral and polar, at codon 1397 of the ABCC9 protein (p.Ile1397Thr). This variant is not present in population databases (gnomAD no frequency). This variant has not been reported in the literature in individuals affected with ABCC9-related conditions. Invitae Evidence Modeling of protein sequence and biophysical properties (such as structural, functional, and spatial information, amino acid conservation, physicochemical variation, residue mobility, and thermodynamic stability) has been performed for this missense variant. However, the output from this modeling did not meet the statistical confidence thresholds required to predict the impact of this variant on ABCC9 protein function. In summary, the available evidence is currently insufficient to determine the role of this variant in disease. Therefore, it has been classified as a Variant of Uncertain Significance.

NM_020297.4(ABCC9):c.4190T>C (p.Ile1397Thr)

Genes: ABCC9 (ATP binding cassette subfamily C member 9; minus strand), KCNJ8-AS1 (KCNJ8 antisense RNA 1; plus strand). Cytogenetic location: 12p12.1.
Variant type: single nucleotide variant.
Coding change: c.4190T>C on transcript NM_020297.4 (MANE Select); coding-DNA position 4190, T replaced by C.
Protein change: p.Ile1397Thr; replaces isoleucine 1397 with threonine.
Molecular consequence: missense variant.
Genome position (GRCh38, 1-based): chr12:21,812,070, A>G on the plus strand (T>C on the coding strand, the complement: ABCC9 is on the minus strand). VCF-style: chr12-21812070-A-G. GRCh37 (hg19) VCF-style: chr12-21965004-A-G.
Other names: c.4190T>C, p.Ile1397Thr (NM_001377273.1, NM_005691.4); c.3323T>C, p.Ile1108Thr (NM_001377274.1); short protein forms I1108T, I1397T.
Identifiers: ClinVar variation 4745795 (VCV004745795.1).
Genomic context (GRCh38, chr12:21,812,070, plus strand): 5'-ATCCTAAGGCATACAGGTGTTGCTAAATATGTTACCTACCTAATGGAACCACTGAATAGT[A>G]TTGGATCCTGCAGAATGATTGAAAGTCTAGAACGTAGTGTGTGCAGTGGTAATTTGGAAA-3'
Protein context (NP_064693.2, residues 1387-1407): SRLSIILQDP[Ile1397Thr]LFSGSIRFNL